The following is an entry in ClinVar:

ClinVar aggregate classification (germline): Likely benign. Review status: criteria provided, multiple submitters, no conflicts (2 of 4 stars). 4 submissions from 4 submitters: Likely benign (4). Last evaluated 2025-12-21.

Conditions:
Familial thoracic aortic aneurysm and aortic dissection (TAAD). Also called: Thoracic aortic aneurysms and dissections. Identifiers: Orphanet 91387, MedGen C4707243, MONDO:0019625.
Ehlers-Danlos syndrome, kyphoscoliotic type 1 (EDSKSCL1). Also called: EHLERS-DANLOS SYNDROME, TYPE VIA; PLOD1-Related Kyphoscoliotic Ehlers-Danlos Syndrome; Ehlers-Danlos syndrome, hydroxylysine-deficient; EHLERS-DANLOS SYNDROME, OCULAR-SCOLIOTIC TYPE. Identifiers: Orphanet 1900, MedGen C0268342, MONDO:0016002, OMIM 225400. Disease mechanism: loss of function.
PLOD1-related disorder. Also called: PLOD1-related condition.

Allele frequency attached by ClinVar (database versions not stated): gnomAD exomes 0.00004; ExAC 0.00007; TOPMed below 0.00001; gnomAD 0.00001.
gnomAD v4.1: 80 of 1,611,688 alleles (0.005%); highest among the groups gnomAD compares: South Asian, 0.025%; no homozygotes.

Submissions (4):

Labcorp Genetics (formerly Invitae), Labcorp
Classification: Likely benign for Ehlers-Danlos syndrome, kyphoscoliotic type 1. Last evaluated: 2025-12-21. Review status: criteria provided, single submitter. Criteria: Invitae Variant Classification Sherloc (09022015). Collection method: clinical testing. Allele origin: germline.

PreventionGenetics, part of Exact Sciences
Classification: Likely benign for PLOD1-related condition. Last evaluated: 2025-09-23. Review status: criteria provided, single submitter. Criteria: ACMG Guidelines, 2015. Collection method: clinical testing. Allele origin: germline.
Comment: This variant is classified as likely benign based on ACMG/AMP sequence variant interpretation guidelines (Richards et al. 2015 PMID: 25741868, with internal and published modifications).

Women's Health and Genetics/Laboratory Corporation of America, LabCorp
Classification: Likely benign. Last evaluated: 2025-07-29. Review status: criteria provided, single submitter. Criteria: LabCorp Variant Classification Summary - May 2015. Collection method: clinical testing. Allele origin: germline.

Ambry Genetics
Classification: Likely benign for Familial thoracic aortic aneurysm and aortic dissection. Last evaluated: 2020-10-11. Review status: criteria provided, single submitter. Criteria: Ambry Variant Classification Scheme 2023. Collection method: clinical testing. Allele origin: germline.

NM_000302.4(PLOD1):c.651C>T (p.Val217=)

Gene: PLOD1 (procollagen-lysine,2-oxoglutarate 5-dioxygenase 1; plus strand). Cytogenetic location: 1p36.22.
Variant type: single nucleotide variant.
Coding change: c.651C>T on transcript NM_000302.4 (MANE Select); coding-DNA position 651, C replaced by T.
Protein change: p.Val217=; no amino-acid change (valine 217 retained).
Molecular consequence: synonymous variant.
Genome position (GRCh38, 1-based): chr1:11,956,924, C>T. VCF-style: chr1-11956924-C-T. GRCh37 (hg19) VCF-style: chr1-12016981-C-T.
Other names: c.792C>T, p.Val264= (NM_001316320.2).
Identifiers: ClinVar variation 1097997 (VCV001097997.13), dbSNP rs759435283, ClinGen allele CA598044.